The following is an entry in ClinVar:

NM_000138.5(FBN1):c.6834del (p.Tyr2280fs)

Gene: FBN1 (fibrillin 1; minus strand). Cytogenetic location: 15q21.1.
Variant type: Deletion.
Coding change: c.6834del on transcript NM_000138.5 (MANE Select); coding-DNA position 6834, one base deleted (C; older notation c.6834delC).
Protein change: p.Tyr2280fs; shifts the reading frame from tyrosine 2280.
Molecular consequence: frameshift variant.
Genome position (GRCh38, 1-based): chr15:48,430,708, G deleted on the plus strand (C on the coding strand, the reverse complement: FBN1 is on the minus strand); the first of 3 consecutive G bases (chr15:48,430,708-48,430,710); deleting any one gives the same sequence. VCF-style (leftmost placement, unchanged base first): chr15-48430707-CG-C. GRCh37 (hg19) VCF-style: chr15-48722904-CG-C.
Other names: c.6834delC (NM_000138.4); short protein forms Y2280fs.
Identifiers: ClinVar variation 684766 (VCV000684766.3), dbSNP rs1597520619, ClinGen allele CA915946639.

ClinVar aggregate classification (germline): Pathogenic (1 of 4 stars; one submission).

Conditions:
Marfan syndrome (MFS). Also called: MARFAN SYNDROME, TYPE I; FBN1-Related Marfan Syndrome; Marfan syndrome type 1; Marfan's syndrome; Marfan syndrome, classic. Identifiers: Orphanet 284963, Orphanet 558, MedGen C0024796, MONDO:0007947, OMIM 154700.

Submission:

Petrovsky National Research Centre of Surgery, The Federal Agency for Scientific Organizations
Classification: Pathogenic for Marfan syndrome. Last evaluated: 2019-08-19. Review status: criteria provided, single submitter. Criteria: ACMG Guidelines, 2015. Collection method: clinical testing. Allele origin: unknown. Inheritance: Autosomal dominant inheritance. Affected: yes. Observed: 1 heterozygote.
Comment: This variant is absent from population studies (ExAC no frequency). Loss-of-function variants in FBN1 gene are known to be pathogenic (PMID: 17657824, 19293843)(ExAC pLI = 1.00).